The following is an entry in ClinVar:

NM_020822.3(KCNT1):c.2590G>T (p.Asp864Tyr)

Gene: KCNT1 (potassium sodium-activated channel subfamily T member 1; plus strand). Cytogenetic location: 9q34.3.
Variant type: single nucleotide variant.
Coding change: c.2590G>T on transcript NM_020822.3 (MANE Select); coding-DNA position 2590, G replaced by T.
Protein change: p.Asp864Tyr; replaces aspartic acid 864 with tyrosine.
Molecular consequence: missense variant.
Genome position (GRCh38, 1-based): chr9:135,778,491, G>T. VCF-style: chr9-135778491-G-T. GRCh37 (hg19) VCF-style: chr9-138670337-G-T.
Other names: c.2455G>T, p.Asp819Tyr (NM_001272003.2); short protein forms D819Y, D864Y.
Identifiers: ClinVar variation 3756250 (VCV003756250.2).
Genomic context (GRCh38, chr9:135,778,491, plus strand): 5'-CACCACTTCCTGGAAGCCATCTGCTGCTTCCCCATGGTCTACTACATGGAGGGCTCTGTG[G>T]ACAAGTAAGGCGTGGCCGGCCGAGGCTCGTGGGGGCTCCACACCCACCCCTCCCCTCCTC-3'
Protein context (NP_065873.2, residues 854-874): PMVYYMEGSV[Asp864Tyr]NLDSLLQCGI

ClinVar aggregate classification (germline): Uncertain significance (1 of 4 stars; one submission).

Conditions:
Autosomal dominant nocturnal frontal lobe epilepsy 5. Also called: KCNT1-Related Epilepsy; CILIARY DYSKINESIA, PRIMARY, 28, WITHOUT SITUS INVERSUS; CILIARY DYSKINESIA, PRIMARY, 28, WITH SITUS INVERSUS; Epilepsy, nocturnal frontal lobe, 5. Identifiers: Orphanet 98784, MedGen C3554306, MONDO:0014002, OMIM 615005.
Developmental and epileptic encephalopathy, 14 (DEE14). Also called: Early infantile epileptic encephalopathy 14. Identifiers: Orphanet 293181, MedGen C3554195, MONDO:0013989, OMIM 614959.

gnomAD v4.1: 3 of 1,570,236 alleles (0.00019%); highest among the groups gnomAD compares: Non-Finnish European, 0.00026%; no homozygotes.

Submission:

Labcorp Genetics (formerly Invitae), Labcorp
Classification: Uncertain significance for Autosomal dominant nocturnal frontal lobe epilepsy 5; Developmental and epileptic encephalopathy, 14. Last evaluated: 2024-05-08. Review status: criteria provided, single submitter. Criteria: Invitae Variant Classification Sherloc (09022015). Collection method: clinical testing. Allele origin: germline.
Comment: This sequence change replaces aspartic acid, which is acidic and polar, with tyrosine, which is neutral and polar, at codon 864 of the KCNT1 protein (p.Asp864Tyr). This variant is not present in population databases (gnomAD no frequency). This variant has not been reported in the literature in individuals affected with KCNT1-related conditions. Advanced modeling of protein sequence and biophysical properties (such as structural, functional, and spatial information, amino acid conservation, physicochemical variation, residue mobility, and thermodynamic stability) performed at Invitae indicates that this missense variant is not expected to disrupt KCNT1 protein function with a negative predictive value of 80%. In summary, the available evidence is currently insufficient to determine the role of this variant in disease. Therefore, it has been classified as a Variant of Uncertain Significance.